The following is an entry in ClinVar:

NM_000257.4(MYH7):c.2698G>A (p.Asp900Asn)

Gene: MYH7 (myosin heavy chain 7; minus strand). Cytogenetic location: 14q11.2.
Variant type: single nucleotide variant.
Coding change: c.2698G>A on transcript NM_000257.4 (MANE Select); coding-DNA position 2698, G replaced by A.
Protein change: p.Asp900Asn; replaces aspartic acid 900 with asparagine.
Molecular consequence: missense variant.
Genome position (GRCh38, 1-based): chr14:23,424,131, C>T on the plus strand (G>A on the coding strand, the complement: MYH7 is on the minus strand). VCF-style: chr14-23424131-C-T. GRCh37 (hg19) VCF-style: chr14-23893340-C-T.
Other names: p.D900N:GAT>AAT; c.2698G>A (LRG_384t1, NM_000257.3); short protein forms D900N.
Identifiers: ClinVar variation 181200 (VCV000181200.3), dbSNP rs730880754, ClinGen allele CA012874.

ClinVar aggregate classification (germline): Conflicting classifications of pathogenicity. Review status: criteria provided, conflicting classifications (1 of 4 stars). 2 submissions from 2 submitters: Likely pathogenic (1); Uncertain significance (1). Last evaluated 2025-04-09.

Conditions:
Cardiovascular phenotype. Identifiers: MedGen CN230736.

Submissions (2):

Molecular Diagnostic Laboratory for Inherited Cardiovascular Disease, Montreal Heart Institute
Classification: Uncertain significance for Cardiovascular phenotype. Last evaluated: 2025-04-09. Review status: criteria provided, single submitter. Criteria: ACMG Guidelines, 2015. Collection method: clinical testing. Allele origin: germline. Affected: yes.

GeneDx
Classification: Likely pathogenic. Last evaluated: 2012-04-10. Review status: criteria provided, single submitter. Criteria: GeneDx Variant Classification (06012015). Collection method: clinical testing. Allele origin: germline. Affected: yes.
Comment: The Asp900Asn variant in the MYH7 gene has not been reported previously as a disease-causing mutation or as a benign polymorphism, to our knowledge. Asp900Asn results in a semi-conservative amino acid substitution of a negatively charged Aspartic acid residue with a neutral, polar Asparagine residue at a position that is conserved across species. In silico analysis predicts Asp900Asn is probably damaging to the protein structure/function. Mutations in nearby residues (Glu894Gly, Ala901Gly, Ala901Pro, Glu903Gly, Glu903Lys) have been reported in association with cardiomyopathy, supporting the functional importance of this region of the protein. In addition, Asp900Asn was not observed in approximately 6,000 individuals of European and African American ancestry in the NHLBI Exome Sequencing Project, indicating it is not a common benign variant in these populations. Therefore, the Asp900Asn variant in the MYH7 gene is a good candidate for a disease-causing mutation. The variant is found in HCM panel(s).